The following is an entry in ClinVar:

NM_005573.4(LMNB1):c.944G>C (p.Arg315Thr)

Gene: LMNB1 (lamin B1; plus strand). Cytogenetic location: 5q23.2.
Variant type: single nucleotide variant.
Coding change: c.944G>C on transcript NM_005573.4 (MANE Select); coding-DNA position 944, G replaced by C.
Protein change: p.Arg315Thr; replaces arginine 315 with threonine.
Molecular consequence: missense variant. On other transcripts: non-coding transcript variant (1).
Genome position (GRCh38, 1-based): chr5:126,818,926, G>C. VCF-style: chr5-126818926-G-C. GRCh37 (hg19) VCF-style: chr5-126154618-G-C.
Other names: c.314G>C, p.Arg105Thr (NM_001198557.2); short protein forms R315T, R105T.
Identifiers: ClinVar variation 1512002 (VCV001512002.6), dbSNP rs2126726862, ClinGen allele CA360724729.
Genomic context (GRCh38, chr5:126,818,926, plus strand): 5'-CTGGTGCTAATGTTGGAATGTTCCTAGAAAGTAAATATGTTTCCTTGCATCTTAAGTCTA[G>C]AGCATGTTTGGAAAGGATTCAAGAATTAGAGGACTTGCTTGCTAAAGAAAAAGACAACTC-3'
Protein context (NP_005564.1, residues 305-325): SQLSNLQKES[Arg315Thr]ACLERIQELE

ClinVar aggregate classification (germline): Uncertain significance (1 of 4 stars; one submission).

Submission:

Labcorp Genetics (formerly Invitae), Labcorp
Classification: Uncertain significance. Last evaluated: 2021-10-20. Review status: criteria provided, single submitter. Criteria: Invitae Variant Classification Sherloc (09022015). Collection method: clinical testing. Allele origin: germline.
Comment: This variant has not been reported in the literature in individuals affected with LMNB1-related conditions. This sequence change replaces arginine with threonine at codon 315 of the LMNB1 protein (p.Arg315Thr). The arginine residue is highly conserved and there is a moderate physicochemical difference between arginine and threonine. This variant is not present in population databases (ExAC no frequency). Algorithms developed to predict the effect of missense changes on protein structure and function are either unavailable or do not agree on the potential impact of this missense change (SIFT: "Deleterious"; PolyPhen-2: "Benign"; Align-GVGD: "Class C0"). In summary, the available evidence is currently insufficient to determine the role of this variant in disease. Therefore, it has been classified as a Variant of Uncertain Significance.